The following is an entry in ClinVar:

NM_003126.4(SPTA1):c.4637A>G (p.His1546Arg)

Gene: SPTA1 (spectrin alpha, erythrocytic 1; minus strand). Cytogenetic location: 1q23.1.
Variant type: single nucleotide variant.
Coding change: c.4637A>G on transcript NM_003126.4 (MANE Select); coding-DNA position 4637, A replaced by G.
Protein change: p.His1546Arg; replaces histidine 1546 with arginine.
Molecular consequence: missense variant.
Genome position (GRCh38, 1-based): chr1:158,642,511, T>C on the plus strand (A>G on the coding strand, the complement: SPTA1 is on the minus strand). VCF-style: chr1-158642511-T-C. GRCh37 (hg19) VCF-style: chr1-158612301-T-C.
Other names: short protein forms H1546R.
Identifiers: ClinVar variation 292982 (VCV000292982.15), dbSNP rs568501725, ClinGen allele CA1182617.
Genomic context (GRCh38, chr1:158,642,511, plus strand): 5'-ATCAGGGAGTTCCCCAGGTTGATGACGCCATGCACCTGCTCAGATCGGCCATCGACTTCA[T>C]GTGCAAAGGTCTGGTGTTTCAGGTATTTCCTCTGAAGGGAAAATGAAACAGAAATTATAT-3'
Protein context (NP_003117.2, residues 1536-1556): RKYLKHQTFA[His1546Arg]EVDGRSEQVH

ClinVar aggregate classification (germline): Uncertain significance. Review status: criteria provided, multiple submitters, no conflicts (2 of 4 stars). 5 submissions from 3 submitters: Uncertain significance (5). Last evaluated 2026-01-01.

Conditions:
Hereditary spherocytosis type 3. Also called: SPTA1-Related Spherocytosis; Spherocytosis type 3. Identifiers: Orphanet 822, MedGen C2678338, MONDO:0010053, OMIM 270970.
Elliptocytosis 2 (EL2). Also called: ELLIPTOCYTOSIS, RHESUS-UNLINKED TYPE. Identifiers: Orphanet 288, MedGen C1851741, MONDO:0007533, OMIM 130600.
Pyropoikilocytosis, hereditary. Also called: Pyropoikilocytosis. Identifiers: MedGen C0520739, MONDO:0009948, OMIM 266140, HP:0004839. Disease mechanism: loss of function.

Allele frequency attached by ClinVar (database versions not stated): gnomAD 0.00001 and 0.00002; TOPMed 0.00002; ExAC 0.00005; gnomAD exomes 0.00005.
gnomAD v4.1: 91 of 1,613,574 alleles (0.0056%); highest among the groups gnomAD compares: Middle Eastern, 0.45%; 1 homozygote.

Submissions (5):

CeGaT Center for Human Genetics Tuebingen
Classification: Uncertain significance. Last evaluated: 2026-01-01. Review status: criteria provided, single submitter. Criteria: CeGaT Center For Human Genetics Tuebingen Variant Classification Criteria Version 2. Collection method: clinical testing. Allele origin: germline. Affected: yes. Observed: 2 variant alleles.
Comment: SPTA1: PM2:Supporting, BP4

Mayo Clinic Laboratories, Mayo Clinic
Classification: Uncertain significance. Last evaluated: 2025-07-17. Review status: criteria provided, single submitter. Criteria: ACMG Guidelines, 2015. Collection method: clinical testing. Allele origin: germline. Observed: 3 variant alleles.
Comment: BP4_moderate, PM2_supporting

Illumina Laboratory Services, Illumina
Classification: Uncertain significance for Hereditary spherocytosis type 3. Last evaluated: 2018-01-13. Review status: criteria provided, single submitter. Criteria: ICSL Variant Classification Criteria 13 December 2019. Collection method: clinical testing. Allele origin: germline.

Illumina Laboratory Services, Illumina
Classification: Uncertain significance for Elliptocytosis 2. Last evaluated: 2018-01-13. Review status: criteria provided, single submitter. Criteria: ICSL Variant Classification Criteria 13 December 2019. Collection method: clinical testing. Allele origin: germline.

Illumina Laboratory Services, Illumina
Classification: Uncertain significance for Pyropoikilocytosis, hereditary. Last evaluated: 2018-01-13. Review status: criteria provided, single submitter. Criteria: ICSL Variant Classification Criteria 13 December 2019. Collection method: clinical testing. Allele origin: germline.